The following is an entry in ClinVar:

NM_032409.3(PINK1):c.1080_1081del (p.His360fs)

Genes: PINK1 (PTEN induced kinase 1; plus strand), PINK1-AS (PINK1 antisense RNA; minus strand). Cytogenetic location: 1p36.12.
Variant type: Microsatellite.
Coding change: c.1080_1081del on transcript NM_032409.3 (MANE Select); coding-DNA positions 1080 to 1081, 2 bases deleted (CA; older notation c.1080_1081delCA).
Protein change: p.His360fs; shifts the reading frame from histidine 360.
Molecular consequence: frameshift variant. On other transcripts: non-coding transcript variant (1).
Genome position (GRCh38, 1-based): chr1:20,645,680-20,645,681, CA deleted; deleting any 2 consecutive bases within chr1:20,645,678-20,645,681 gives the same sequence; the c. name uses the placement nearest the transcript's 3' end. VCF-style (leftmost placement, unchanged base first): chr1-20645677-GCA-G. GRCh37 (hg19) VCF-style: chr1-20972170-GCA-G.
Other names: short protein forms H360fs.
Identifiers: ClinVar variation 4687897 (VCV004687897.1), dbSNP rs764252130.

ClinVar aggregate classification (germline): Likely pathogenic (1 of 4 stars; one submission).

Conditions:
Autosomal recessive early-onset Parkinson disease 6 (PARK6). Also called: PARKINSON DISEASE 6, EARLY-ONSET; PINK1-Related Parkinson Disease; PINK1 Type of Young-Onset Parkinson Disease; PARKINSON DISEASE 6, MODIFIER OF. Identifiers: Orphanet 2828, MedGen C1853833, MONDO:0011613, OMIM 605909.

Submission:

Human Genetics Bochum, Ruhr University Bochum
Classification: Likely pathogenic for Autosomal recessive early-onset Parkinson disease 6. Last evaluated: 2025-02-25. Review status: criteria provided, single submitter. Criteria: ACMG Guidelines, 2015. Collection method: clinical testing. Allele origin: germline. Affected: yes.
Comment: ACMG criteria used to clasify this variant: PVS1, PM2_SUP